The following is an entry in ClinVar:

NM_000169.3(GLA):c.347G>C (p.Gly116Ala)

Genes: GLA (galactosidase alpha; minus strand), RPL36A-HNRNPH2 (RPL36A-HNRNPH2 readthrough; plus strand). Cytogenetic location: Xq22.1.
Variant type: single nucleotide variant.
Coding change: c.347G>C on transcript NM_000169.3 (MANE Select); coding-DNA position 347, G replaced by C.
Protein change: p.Gly116Ala; replaces glycine 116 with alanine.
Molecular consequence: missense variant. On other transcripts: non-coding transcript variant (3), intron variant (2).
Genome position (GRCh38, 1-based): chrX:101,403,833, C>G on the plus strand (G>C on the coding strand, the complement: GLA is on the minus strand). VCF-style: chrX-101403833-C-G. GRCh37 (hg19) VCF-style: chrX-100658821-C-G.
Other names: c.470G>C, p.Gly157Ala (NM_001406747.1, NM_001406749.1); c.347G>C, p.Gly116Ala (NM_001406748.1); c.301-8103C>G (NM_001199973.2); c.178-8103C>G (NM_001199974.2); short protein forms G116A, G157A.
Identifiers: ClinVar variation 4087342 (VCV004087342.2).

ClinVar aggregate classification (germline): Uncertain significance (1 of 4 stars; one submission).

Conditions:
Fabry disease. Also called: ALPHA-GALACTOSIDASE A DEFICIENCY; ANDERSON-FABRY DISEASE; CERAMIDE TRIHEXOSIDASE DEFICIENCY; GLA DEFICIENCY; HEREDITARY DYSTOPIC LIPIDOSIS; Angiokeratoma corporis diffusum. Identifiers: Orphanet 324, MedGen C0002986, MONDO:0010526, OMIM 301500, HP:0001071. Disease mechanism: Fabry disease is due to inactivating mutations in the X-linked GLA gene resulting in deficiency of the enzyme Alpha Galactosidase-A., loss of function.

Submission:

Genomenon, Inc
Classification: Uncertain significance for Fabry disease. Last evaluated: 2026-09-08. Review status: criteria provided, single submitter. Criteria: Genomenon Sequence Variant Interpretation Standards - Updated. Collection method: curation. Allele origin: germline. Affected: yes.
Comment: GLA p.Gly116Ala (c.347G>C) is a missense variant that changes the amino acid at codon 116 from Glycine to Alanine. This variant has been observed in at least one proband with clinical features consistent with Fabry disease (PMID:30477121). Functional or patient cell studies have been reported (PMID:34199132;33072983). It is absent or not present at a significant frequency in gnomAD. In silico models predict that this variant is possibly or probably damaging. In conclusion, we classify GLA p.Gly116Ala (c.347G>C) as a variant of uncertain significance.

Literature cited by the submitters: PubMed 30477121; PubMed 34199132; PubMed 33072983.